The following is an entry in ClinVar:

NM_000044.6(AR):c.1174C>T (p.Pro392Ser)

Gene: AR (androgen receptor; plus strand). Cytogenetic location: Xq12.
Variant type: single nucleotide variant.
Coding change: c.1174C>T on transcript NM_000044.6 (MANE Select); coding-DNA position 1174, C replaced by T.
Protein change: p.Pro392Ser; replaces proline 392 with serine.
Molecular consequence: missense variant. On other transcripts: 5 prime UTR variant (1).
Genome position (GRCh38, 1-based): chrX:67,546,320, C>T. VCF-style: chrX-67546320-C-T. GRCh37 (hg19) VCF-style: chrX-66766162-C-T.
Other names: c.-610C>T (NM_001011645.3); c.1174C>T, p.Pro392Ser (NM_001348061.1, NM_001348063.1, NM_001348064.1); short protein forms P392S.
Identifiers: ClinVar variation 216890 (VCV000216890.51), dbSNP rs201934623, ClinGen allele CA210003.

ClinVar aggregate classification (germline): Conflicting classifications of pathogenicity. Review status: criteria provided, conflicting classifications (1 of 4 stars). 16 submissions from 16 submitters: Pathogenic (1); Uncertain significance (1); Benign (5); Likely benign (2). 7 of the submissions do not count toward it. Last evaluated 2026-09-01.

Conditions:
Partial androgen insensitivity syndrome (PAIS). Also called: Reifenstein syndrome; ANDROGEN INSENSITIVITY, PARTIAL, WITH OR WITHOUT BREAST CANCER; Reifenstein syndrome, partial; Androgen resistance syndrome, partial; Type I familial incomplete male pseudohermaphroditism; Pseudohermaphroditism, Incomplete male, type I. Identifiers: Orphanet 90797, MedGen C0268301, MONDO:0010720, OMIM 312300.
Androgen resistance syndrome (AIS). Also called: Androgen insensitivity syndrome; Androgen insensitivity, complete; ANDROGEN RECEPTOR DEFICIENCY; DIHYDROTESTOSTERONE RECEPTOR DEFICIENCY; TESTICULAR FEMINIZATION SYNDROME; Androgen insensitivity syndrome due to coactivator deficiency. Identifiers: Orphanet 754, Orphanet 99429, MedGen C0039585, MONDO:0019154, OMIM 300068. Disease mechanism: loss of function.
AR-related disorder. Also called: AR-related condition.
Kennedy disease (SMAX1). Also called: Spinal and Bulbar Muscular Atrophy; KENNEDY SPINAL AND BULBAR MUSCULAR ATROPHY; SPINAL AND BULBAR MUSCULAR ATROPHY, X-LINKED 1. Identifiers: Orphanet 481, MedGen C1839259, MONDO:0010735, OMIM 313200.
Hypospadias 1, X-linked (HYSP1). Identifiers: Orphanet 440, MedGen C2678098, MONDO:0010384, OMIM 300633.

Allele frequency attached by ClinVar (database versions not stated): gnomAD 0.00163 and 0.00229; TOPMed 0.00176; gnomAD exomes 0.00333 and 0.00448; 1000 Genomes Project 0.00742; 1000 Genomes Project 30x 0.00749; ExAC 0.00804.

Submissions (16):

CeGaT Center for Human Genetics Tuebingen
Classification: Benign. Last evaluated: 2026-09-01. Review status: criteria provided, single submitter. Criteria: CeGaT Center For Human Genetics Tuebingen Variant Classification Criteria Version 2. Collection method: clinical testing. Allele origin: germline. Affected: yes. Observed: 27 variant alleles.
Comment: AR: BS1, BS2

Labcorp Genetics (formerly Invitae), Labcorp
Classification: Benign for Kennedy disease; Androgen resistance syndrome. Last evaluated: 2026-01-30. Review status: criteria provided, single submitter. Criteria: Invitae Variant Classification Sherloc (09022015). Collection method: clinical testing. Allele origin: germline.

Blueprint Genetics
Classification: Likely benign. Last evaluated: 2024-11-28. Review status: criteria provided, single submitter. Criteria: ACMG Guidelines, 2015. Collection method: clinical testing. Allele origin: germline.

Genomic Medicine Center of Excellence, King Faisal Specialist Hospital and Research Centre
Classification: Uncertain significance for Androgen resistance syndrome. Last evaluated: 2024-04-04. Review status: criteria provided, single submitter. Criteria: ACMG Guidelines, 2015. Collection method: clinical testing. Allele origin: germline.

Mendelics
Classification: Benign for Androgen resistance syndrome. Last evaluated: 2024-02-28. Review status: criteria provided, single submitter. Criteria: Mendelics Assertion Criteria 2017. Collection method: clinical testing. Allele origin: unknown.

Clinical Biochemistry Laboratory, Health Services Laboratory
Classification: Likely benign for Androgen resistance syndrome. Last evaluated: 2023-11-20. Review status: criteria provided, single submitter. Criteria: ACMG Guidelines, 2015. Collection method: clinical testing. Allele origin: germline. Affected: yes.
Comment: ACMG:PM1 PP3 BS1 BP2 BP4

Pars Genome Lab
Classification: Benign for Androgen resistance syndrome; Partial androgen insensitivity syndrome. Last evaluated: 2022-02-21. Review status: criteria provided, single submitter. Criteria: ACMG Guidelines, 2015. Collection method: clinical testing. Allele origin: germline. Inheritance: X-linked recessive inheritance. Affected: no.

Genetic Services Laboratory, University of Chicago
Classification: Benign. Last evaluated: 2016-09-22. Review status: criteria provided, single submitter. Criteria: ACMG Guidelines, 2015. Collection method: clinical testing. Allele origin: germline. Affected: no.

UCLA Clinical Genomics Center, UCLA
Classification: Pathogenic for Reifenstein syndrome. Last evaluated: 2014-07-01. Review status: criteria provided, single submitter. Criteria: Lee et al. (JAMA. 2014). Collection method: clinical testing. Allele origin: unknown. Inheritance: X-linked inheritance. Affected: yes. Study: CES.

PreventionGenetics, part of Exact Sciences
Classification: Likely benign for AR-related condition. Last evaluated: 2023-07-02. Review status: no assertion criteria provided. Collection method: clinical testing. Allele origin: germline. Not counted in ClinVar's aggregate classification.
Comment: This variant is classified as likely benign based on ACMG/AMP sequence variant interpretation guidelines (Richards et al. 2015 PMID: 25741868, with internal and published modifications).

Foundation for Research in Genetics and Endocrinology, FRIGE's Institute of Human Genetics
Classification: Uncertain significance for Hypospadias 1, X-linked. Last evaluated: 2018-01-31. Review status: no assertion criteria provided. Collection method: clinical testing. Allele origin: germline. Inheritance: X-linked recessive inheritance. Affected: yes. Observed: 1 variant allele, 1 hemizygote. Not counted in ClinVar's aggregate classification.
Comment: The observed variant c.1174C>T (p.P392S) has the minor allele frequency of 0.74% in 1000 Genomes and 0.8% in ExAC databases. The in silico predictions of the variant is polymorphism by Mutation Taster, benign by PolyPhen and damaging by SIFT.

Clinical Genetics DNA and cytogenetics Diagnostics Lab, Erasmus MC, Erasmus Medical Center
Classification: Likely benign. Review status: no assertion criteria provided. Collection method: clinical testing. Allele origin: germline. Affected: yes. Study: VKGL Data-share Consensus. Not counted in ClinVar's aggregate classification.

Department of Pathology and Laboratory Medicine, Sinai Health System
Classification: Likely benign. Review status: no assertion criteria provided. Collection method: clinical testing. Allele origin: unknown. Affected: yes. Study: The Canadian Open Genetics Repository (COGR). Not counted in ClinVar's aggregate classification.
Comment: The AR p.Pro392Ser variant was identified in 4 of 584 proband chromosomes (frequency: 0.00685) from a Caucasian population presenting with isolated hypospadias without micropenis or cryptorchidism, and was not identified in 690 control chromosomes from healthy individuals (Kalfa_2013_23637914). The variant was also identified in dbSNP (ID: rs201934623) as "With Pathogenic allele" and ClinVar (3 submissions with conflicting interpretations of pathogenicity: Benign(1) by Genetic Services Laboratory, University of Chicago (2016); Pathogenic(1) by UCLA Clinical Genomics Center, UCLA - CES (2014); and Uncertain significance(1) by Foundation for Research in Genetics and Endocrinology, Institute of Human Genetics (2018)). Submitters report the variant to be linked to Partial Androgen Insensitivity syndrome and Hypospadias 1, X-linked. The variant was also identified in Clinvitae, Cosmic, MutDB, and LOVD 3.0 (likely benign). The variant was identified in control databases in 684 of 166808 chromosomes (4 homozygous) at a frequency of 0.004101 increasing the likelihood this could be a low frequency benign variant (Genome Aggregation Database Feb 27, 2017). The variant was observed in the following populations: South Asian in 404 of 16297 chromosomes (freq: 0.02479), Other in 16 of 4579 chromosomes (freq: 0.003494), Ashkenazi Jewish in 22 of 6922 chromosomes (freq: 0.003178), European (non-Finnish) in 189 of 71137 chromosomes (freq: 0.002657), Latino in 46 of 25450 chromosomes (freq: 0.001807), African in 5 of 14750 chromosomes (freq: 0.000339), East Asian in 1 of 12487 chromosomes (freq: 0.00008), and European (Finnish) in 1 of 15186 chromosomes (freq: 0.000066). Chakrabarty et al. identified the variant p.Pro392Ser as a somatic driver mutation in tissue samples of 18 long-standing ulcerative colitis (UC) subjects at high risk of colorectal carcinoma. (Chakrabarty_2017_28524162). The p.Pro392Ser residue is not conserved in mammals and four out of five computational analyses (PolyPhen-2, SIFT, AlignGVGD, and MutationTaster) do not suggest a high likelihood of impact to the protein; however, this information is not predictive enough to rule out pathogenicity. In summary, based on the above information the clinical significance of this variant cannot be determined with certainty at this time although we would lean towards a more benign role for this variant. This variant is classified as likely benign. References: Chakrabarty, Sanjiban, et al. "Targeted sequencing-based analyses of candidate gene variants in ulcerative colitis-associated colorectal neoplasia." British journal of cancer 117.1 (2017): 136. Kalfa, Nicolas, et al. "Minor hypospadias: the â€šÃ„Ãºtip of the icebergâ€šÃ„Ã¹ of the partial androgen insensitivity syndrome." PloS one 8.4 (2013): e61824.

Genome Diagnostics Laboratory, University Medical Center Utrecht
Classification: Likely benign. Review status: no assertion criteria provided. Collection method: clinical testing. Allele origin: germline. Affected: yes. Study: VKGL Data-share Consensus. Not counted in ClinVar's aggregate classification.

Laboratory of Diagnostic Genome Analysis, Leiden University Medical Center (LUMC)
Classification: Likely benign. Review status: no assertion criteria provided. Collection method: clinical testing. Allele origin: germline. Affected: yes. Study: VKGL Data-share Consensus. Not counted in ClinVar's aggregate classification.

Clinical Genetics and Genomics, Karolinska University Hospital
Classification: Pathogenic. Last evaluated: 2014-08-20. Review status: flagged submission. Criteria: ACMG Guidelines, 2015. Collection method: clinical testing. Allele origin: germline. Affected: yes. Observed: 1 variant allele. Not counted in ClinVar's aggregate classification.
ClinVar note: Reason: Outlier claim with insufficient supporting evidence

Literature cited by the submitters: PubMed 25740850 (cited by Clinical Biochemistry Laboratory, Health Services Laboratory).